The following is an entry in ClinVar:

NM_001035.3(RYR2):c.848C>G (p.Ala283Gly)

Gene: RYR2 (ryanodine receptor 2; plus strand). Cytogenetic location: 1q43.
Variant type: single nucleotide variant.
Coding change: c.848C>G on transcript NM_001035.3 (MANE Select); coding-DNA position 848, C replaced by G.
Protein change: p.Ala283Gly; replaces alanine 283 with glycine.
Molecular consequence: missense variant.
Genome position (GRCh38, 1-based): chr1:237,417,123, C>G. VCF-style: chr1-237417123-C-G. GRCh37 (hg19) VCF-style: chr1-237580423-C-G.
Other names: short protein forms A283G.
Identifiers: ClinVar variation 1962371 (VCV001962371.5), dbSNP rs1163526442, ClinGen allele CA345383902.

ClinVar aggregate classification (germline): Uncertain significance (1 of 4 stars; one submission).

Conditions:
Catecholaminergic polymorphic ventricular tachycardia 1. Also called: VENTRICULAR TACHYCARDIA, CATECHOLAMINERGIC POLYMORPHIC, 1, WITH OR WITHOUT ATRIAL DYSFUNCTION AND/OR DILATED CARDIOMYOPATHY; VENTRICULAR TACHYCARDIA, STRESS-INDUCED POLYMORPHIC 1; RYR2-Related Catecholaminergic Polymorphic Ventricular Tachycardia. Identifiers: Orphanet 3286, MedGen C1631597, MONDO:0011484, OMIM 604772.

Submission:

Labcorp Genetics (formerly Invitae), Labcorp
Classification: Uncertain significance for Catecholaminergic polymorphic ventricular tachycardia 1. Last evaluated: 2021-12-31. Review status: criteria provided, single submitter. Criteria: Invitae Variant Classification Sherloc (09022015). Collection method: clinical testing. Allele origin: germline.
Comment: In summary, the available evidence is currently insufficient to determine the role of this variant in disease. Therefore, it has been classified as a Variant of Uncertain Significance. Algorithms developed to predict the effect of missense changes on protein structure and function are either unavailable or do not agree on the potential impact of this missense change (SIFT: "Deleterious"; PolyPhen-2: "Benign"; Align-GVGD: "Class C55"). This sequence change replaces alanine, which is neutral and non-polar, with glycine, which is neutral and non-polar, at codon 283 of the RYR2 protein (p.Ala283Gly). This variant is not present in population databases (gnomAD no frequency). This variant has not been reported in the literature in individuals affected with RYR2-related conditions.